The following is an entry in ClinVar:

ClinVar aggregate classification (germline): Uncertain significance. Review status: criteria provided, multiple submitters, no conflicts (2 of 4 stars). 2 submissions from 2 submitters: Uncertain significance (2). Last evaluated 2025-09-22.

Conditions:
Inborn genetic diseases. Identifiers: MedGen C0950123, MeSH D030342.

Allele frequency attached by ClinVar (database versions not stated): gnomAD 0.00001; ESP Exome Variant Server 0.00008; TOPMed 0.00002; gnomAD exomes 0.00004; ExAC 0.00003.

Submissions (2):

Ambry Genetics
Classification: Uncertain significance for Inborn genetic diseases. Last evaluated: 2025-09-22. Review status: criteria provided, single submitter. Criteria: Ambry Variant Classification Scheme 2023. Collection method: clinical testing. Allele origin: germline.

Labcorp Genetics (formerly Invitae), Labcorp
Classification: Uncertain significance. Last evaluated: 2024-09-24. Review status: criteria provided, single submitter. Criteria: Invitae Variant Classification Sherloc (09022015). Collection method: clinical testing. Allele origin: germline.
Comment: This sequence change replaces valine, which is neutral and non-polar, with isoleucine, which is neutral and non-polar, at codon 81 of the LHX3 protein (p.Val81Ile). This variant is present in population databases (rs137904970, gnomAD 0.006%). This variant has not been reported in the literature in individuals affected with LHX3-related conditions. ClinVar contains an entry for this variant (Variation ID: 2143288). An algorithm developed to predict the effect of missense changes on protein structure and function (PolyPhen-2) suggests that this variant¬†is likely to be tolerated. In summary, the available evidence is currently insufficient to determine the role of this variant in disease. Therefore, it has been classified as a Variant of Uncertain Significance.

NM_178138.6(LHX3):c.226G>A (p.Val76Ile)

Gene: LHX3 (LIM homeobox 3; minus strand). Cytogenetic location: 9q34.3.
Variant type: single nucleotide variant.
Coding change: c.226G>A on transcript NM_178138.6 (MANE Select); coding-DNA position 226, G replaced by A.
Protein change: p.Val76Ile; replaces valine 76 with isoleucine.
Molecular consequence: missense variant.
Genome position (GRCh38, 1-based): chr9:136,200,607, C>T on the plus strand (G>A on the coding strand, the complement: LHX3 is on the minus strand). VCF-style: chr9-136200607-C-T. GRCh37 (hg19) VCF-style: chr9-139092453-C-T.
Other names: c.193G>A, p.Val65Ile (NM_001363746.1); c.241G>A, p.Val81Ile (NM_014564.5); c.241G>A (NM_014564.3); short protein forms V65I, V76I, V81I.
Identifiers: ClinVar variation 2143288 (VCV002143288.5), dbSNP rs137904970, ClinGen allele CA5330580.